The following is an entry in ClinVar:

NM_017849.4(TMEM127):c.341A>G (p.Asp114Gly)

Gene: TMEM127 (transmembrane protein 127; minus strand). Cytogenetic location: 2q11.2.
Variant type: single nucleotide variant.
Coding change: c.341A>G on transcript NM_017849.4 (MANE Select); coding-DNA position 341, A replaced by G.
Protein change: p.Asp114Gly; replaces aspartic acid 114 with glycine.
Molecular consequence: missense variant.
Genome position (GRCh38, 1-based): chr2:96,254,901, T>C on the plus strand (A>G on the coding strand, the complement: TMEM127 is on the minus strand). VCF-style: chr2-96254901-T-C. GRCh37 (hg19) VCF-style: chr2-96920639-T-C.
Other names: c.89A>G, p.Asp30Gly (NM_001407283.1, NM_001407282.1); c.341A>G, p.Asp114Gly (NM_001193304.3); short protein forms D114G, D30G.
Identifiers: ClinVar variation 4844465 (VCV004844465.1).

ClinVar aggregate classification (germline): Uncertain significance (1 of 4 stars; one submission).

Conditions:
Hereditary cancer-predisposing syndrome. Also called: Neoplastic Syndromes, Hereditary; Tumor predisposition; Hereditary Cancer Syndrome; Hereditary neoplastic syndrome. Identifiers: Orphanet 140162, MedGen C0027672, MeSH D009386, MONDO:0015356.

gnomAD v4.1: 1 of 1,614,054 alleles (0.000062%); no homozygotes.

Submission:

Ambry Genetics
Classification: Uncertain significance for Hereditary cancer-predisposing syndrome. Last evaluated: 2026-02-14. Review status: criteria provided, single submitter. Criteria: Ambry Variant Classification Scheme 2023. Collection method: clinical testing. Allele origin: germline.
Comment: The p.D114G variant (also known as c.341A>G), located in coding exon 2 of the TMEM127 gene, results from an A to G substitution at nucleotide position 341. The aspartic acid at codon 114 is replaced by glycine, an amino acid with similar properties. This amino acid position is conserved. In addition, this alteration is predicted to be deleterious by in silico analysis. Based on the available evidence, the clinical significance of this variant remains unclear.